The following is an entry in ClinVar:

NM_003737.4(DCHS1):c.8142C>A (p.Ser2714Arg)

Gene: DCHS1 (dachsous cadherin-related 1; minus strand). Cytogenetic location: 11p15.4.
Variant type: single nucleotide variant.
Coding change: c.8142C>A on transcript NM_003737.4 (MANE Select); coding-DNA position 8142, C replaced by A.
Protein change: p.Ser2714Arg; replaces serine 2714 with arginine.
Molecular consequence: missense variant.
Genome position (GRCh38, 1-based): chr11:6,623,534, G>T on the plus strand (C>A on the coding strand, the complement: DCHS1 is on the minus strand). VCF-style: chr11-6623534-G-T. GRCh37 (hg19) VCF-style: chr11-6644765-G-T.
Other names: short protein forms S2714R.
Identifiers: ClinVar variation 3666984 (VCV003666984.2).

ClinVar aggregate classification (germline): Uncertain significance (1 of 4 stars; one submission).

gnomAD v4.1: 1 of 1,610,222 alleles (0.000062%); highest among the groups gnomAD compares: South Asian, 0.0011%; no homozygotes.

Submission:

Labcorp Genetics (formerly Invitae), Labcorp
Classification: Uncertain significance. Last evaluated: 2025-02-03. Review status: criteria provided, single submitter. Criteria: Invitae Variant Classification Sherloc (09022015). Collection method: clinical testing. Allele origin: germline.
Comment: This sequence change replaces serine, which is neutral and polar, with arginine, which is basic and polar, at codon 2714 of the DCHS1 protein (p.Ser2714Arg). This variant is not present in population databases (gnomAD no frequency). This variant has not been reported in the literature in individuals affected with DCHS1-related conditions. Invitae Evidence Modeling of protein sequence and biophysical properties (such as structural, functional, and spatial information, amino acid conservation, physicochemical variation, residue mobility, and thermodynamic stability) indicates that this missense variant is not expected to disrupt DCHS1 protein function with a negative predictive value of 80%. In summary, the available evidence is currently insufficient to determine the role of this variant in disease. Therefore, it has been classified as a Variant of Uncertain Significance.